The following is an entry in ClinVar:

ClinVar aggregate classification (germline): Uncertain significance. Review status: criteria provided, multiple submitters, no conflicts (2 of 4 stars). 3 submissions from 3 submitters: Uncertain significance (3). Last evaluated 2026-03-01.

Conditions:
Inborn genetic diseases. Identifiers: MedGen C0950123, MeSH D030342.

Allele frequency attached by ClinVar (database versions not stated): gnomAD exomes below 0.00001.
gnomAD v4.1: 2 of 1,613,560 alleles (0.00012%); highest among the groups gnomAD compares: Non-Finnish European, 0.000085%; no homozygotes.

Submissions (3):

CeGaT Center for Human Genetics Tuebingen
Classification: Uncertain significance. Last evaluated: 2026-03-01. Review status: criteria provided, single submitter. Criteria: CeGaT Center For Human Genetics Tuebingen Variant Classification Criteria Version 2. Collection method: clinical testing. Allele origin: germline. Affected: yes. Observed: 1 variant allele.
Comment: PKD2: PM2, PP3

GeneDx
Classification: Uncertain significance. Last evaluated: 2024-03-28. Review status: criteria provided, single submitter. Criteria: GeneDx Variant Classification Process June 2021. Collection method: clinical testing. Allele origin: germline. Affected: yes.
Comment: Not observed at significant frequency in large population cohorts (gnomAD); In silico analysis supports that this missense variant has a deleterious effect on protein structure/function; Has not been previously published as pathogenic or benign to our knowledge

Ambry Genetics
Classification: Uncertain significance for Inborn genetic diseases. Last evaluated: 2022-11-07. Review status: criteria provided, single submitter. Criteria: Ambry Variant Classification Scheme 2023. Collection method: clinical testing. Allele origin: germline.

NM_000297.4(PKD2):c.1824C>A (p.Phe608Leu)

Gene: PKD2 (polycystin 2, transient receptor potential cation channel; plus strand). Cytogenetic location: 4q22.1.
Variant type: single nucleotide variant.
Coding change: c.1824C>A on transcript NM_000297.4 (MANE Select); coding-DNA position 1824, C replaced by A.
Protein change: p.Phe608Leu; replaces phenylalanine 608 with leucine.
Molecular consequence: missense variant. On other transcripts: non-coding transcript variant (1).
Genome position (GRCh38, 1-based): chr4:88,056,193, C>A. VCF-style: chr4-88056193-C-A. GRCh37 (hg19) VCF-style: chr4-88977345-C-A.
Other names: short protein forms F608L.
Identifiers: ClinVar variation 2322638 (VCV002322638.5), dbSNP rs2475954071, ClinGen allele CA357622835.